The following is an entry in ClinVar:

ClinVar aggregate classification (germline): Benign. Review status: criteria provided, multiple submitters, no conflicts (2 of 4 stars). 4 submissions from 4 submitters: Benign (4). Last evaluated 2026-02-03.

Conditions:
Hereditary cancer-predisposing syndrome. Also called: Neoplastic Syndromes, Hereditary; Tumor predisposition; Hereditary neoplastic syndrome; Hereditary Cancer Syndrome. Identifiers: Orphanet 140162, MedGen C0027672, MeSH D009386, MONDO:0015356.

Allele frequency attached by ClinVar (database versions not stated): 1000 Genomes Project 0.06569; 1000 Genomes Project 30x 0.06621; gnomAD exomes 0.00836 and 0.01911; ExAC 0.02132; gnomAD 0.04239 and 0.04312; ESP Exome Variant Server 0.04429; TOPMed 0.04723.

Submissions (12):

Labcorp Genetics (formerly Invitae), Labcorp
Classification: Benign. Last evaluated: 2026-02-03. Review status: criteria provided, single submitter. Criteria: Invitae Variant Classification Sherloc (09022015). Collection method: clinical testing. Allele origin: germline.

Molecular Diagnostics Laboratory, Catalan Institute of Oncology
Classification: Benign for Hereditary cancer-predisposing syndrome. Last evaluated: 2025-07-23. Review status: criteria provided, single submitter. Criteria: ACMG Guidelines, 2015. Collection method: clinical testing. Allele origin: germline.
Comment: BA1, BP4 PPM1D c.827-12C>A is an intronic variant located close to a canonical splice site. The variant allele was found in 3144/23524 alleles (221 homozygous), with a filtering allele frequency of 12.8% at 99% confidence, within the African population in the gnomAD v2.1.1 database (non-cancer data set) (BA1). The SpliceAI algorithm predicts no significant impact on splicing (BP4). To our knowledge, neither relevant clinical data nor well-established functional studies have been reported for this variant. This variant has been reported in the ClinVar database (3x benign) but is not present in the LOVD database. Based on currently available information, c.827-12C>A is classified as a benign variant according to ACMG guidelines.

GeneDx
Classification: Benign. Last evaluated: 2018-06-23. Review status: criteria provided, single submitter. Criteria: GeneDx Variant Classification Process June 2021. Collection method: clinical testing. Allele origin: germline. Affected: yes.

Breakthrough Genomics
Classification: Benign. Review status: criteria provided, single submitter. Criteria: ACMG Guidelines, 2015. Collection method: not provided. Allele origin: germline. Inheritance: Autosomal dominant inheritance. Affected: yes.

Dr. Peter K. Rogan Lab, Western University
No classification provided (evidence only). Condition: Cervical cancer. Review status: no classification provided. Collection method: in vitro. Allele origin: not applicable. Functional consequence: retained intron. Not counted in ClinVar's aggregate classification.

Dr. Peter K. Rogan Lab, Western University
No classification provided (evidence only). Condition: Gastric cancer. Review status: no classification provided. Collection method: in vitro. Allele origin: not applicable. Functional consequence: retained intron. Not counted in ClinVar's aggregate classification.

Dr. Peter K. Rogan Lab, Western University
No classification provided (evidence only). Condition: Gastric cancer. Review status: no classification provided. Collection method: in vitro. Allele origin: not applicable. Functional consequence: retained intron. Not counted in ClinVar's aggregate classification.

Dr. Peter K. Rogan Lab, Western University
No classification provided (evidence only). Condition: Gastric cancer. Review status: no classification provided. Collection method: in vitro. Allele origin: not applicable. Functional consequence: retained intron. Not counted in ClinVar's aggregate classification.

Dr. Peter K. Rogan Lab, Western University
No classification provided (evidence only). Condition: Uterine carcinosarcoma. Review status: no classification provided. Collection method: in vitro. Allele origin: not applicable. Functional consequence: retained intron. Not counted in ClinVar's aggregate classification.

Dr. Peter K. Rogan Lab, Western University
No classification provided (evidence only). Condition: Malignant tumor of esophagus. Review status: no classification provided. Collection method: in vitro. Allele origin: not applicable. Functional consequence: retained intron. Not counted in ClinVar's aggregate classification.

Dr. Peter K. Rogan Lab, Western University
No classification provided (evidence only). Condition: Malignant tumor of esophagus. Review status: no classification provided. Collection method: in vitro. Allele origin: not applicable. Functional consequence: retained intron. Not counted in ClinVar's aggregate classification.

Dr. Peter K. Rogan Lab, Western University
No classification provided (evidence only). Condition: Hepatocellular carcinoma. Review status: no classification provided. Collection method: in vitro. Allele origin: not applicable. Functional consequence: retained intron. Not counted in ClinVar's aggregate classification.

NM_003620.4(PPM1D):c.827-12C>A

Gene: PPM1D (protein phosphatase, Mg2+/Mn2+ dependent 1D; plus strand). Cytogenetic location: 17q23.2.
Variant type: single nucleotide variant.
Coding change: c.827-12C>A on transcript NM_003620.4 (MANE Select); 12 bases into the intron before coding-DNA position 827, C replaced by A.
Molecular consequence: intron variant.
Genome position (GRCh38, 1-based): chr17:60,647,880, C>A. VCF-style: chr17-60647880-C-A. GRCh37 (hg19) VCF-style: chr17-58725241-C-A.
Identifiers: ClinVar variation 1248023 (VCV001248023.13), dbSNP rs9889886, ClinGen allele CA8687633.